The following is an entry in ClinVar:

NM_016938.5(EFEMP2):c.770G>A (p.Arg257His)

Gene: EFEMP2 (EGF containing fibulin extracellular matrix protein 2; minus strand). Cytogenetic location: 11q13.1.
Variant type: single nucleotide variant.
Coding change: c.770G>A on transcript NM_016938.5 (MANE Select); coding-DNA position 770, G replaced by A.
Protein change: p.Arg257His; replaces arginine 257 with histidine.
Molecular consequence: missense variant. On other transcripts: non-coding transcript variant (1).
Genome position (GRCh38, 1-based): chr11:65,868,587, C>T on the plus strand (G>A on the coding strand, the complement: EFEMP2 is on the minus strand). VCF-style: chr11-65868587-C-T. GRCh37 (hg19) VCF-style: chr11-65636058-C-T.
Other names: short protein forms R257H.
Identifiers: ClinVar variation 1312885 (VCV001312885.3), dbSNP rs202124723, ClinGen allele CA6110531.

ClinVar aggregate classification (germline): Uncertain significance. Review status: criteria provided, multiple submitters, no conflicts (2 of 4 stars). 2 submissions from 2 submitters: Uncertain significance (2). Last evaluated 2024-08-19.

Conditions:
Cardiovascular phenotype. Identifiers: MedGen CN230736.

Allele frequency attached by ClinVar (database versions not stated): ExAC 0.00001; gnomAD 0.00001; gnomAD exomes 0.00001; TOPMed 0.00005; 1000 Genomes Project 0.00020; 1000 Genomes Project 30x 0.00031.
gnomAD v4.1: 10 of 1,613,886 alleles (0.00062%); highest among the groups gnomAD compares: Admixed American, 0.0067%; no homozygotes.

Submissions (2):

Ambry Genetics
Classification: Uncertain significance for Cardiovascular phenotype. Last evaluated: 2024-08-19. Review status: criteria provided, single submitter. Criteria: Ambry Variant Classification Scheme 2023. Collection method: clinical testing. Allele origin: germline.
Comment: The p.R257H variant (also known as c.770G>A), located in coding exon 7 of the EFEMP2 gene, results from a G to A substitution at nucleotide position 770. The arginine at codon 257 is replaced by histidine, an amino acid with highly similar properties. This amino acid position is conserved. In addition, this alteration is predicted to be tolerated by in silico analysis. Based on the available evidence, the clinical significance of this variant remains unclear.

GeneDx
Classification: Uncertain significance. Last evaluated: 2020-06-26. Review status: criteria provided, single submitter. Criteria: GeneDx Variant Classification Process June 2021. Collection method: clinical testing. Allele origin: germline. Affected: yes.
Comment: Not observed at a significant frequency in large population cohorts (Lek et al., 2016); In silico analysis supports that this missense variant has a deleterious effect on protein structure/function; Has not been previously published as pathogenic or benign to our knowledge